The following is an entry in ClinVar:

ClinVar aggregate classification (germline): Uncertain significance (1 of 4 stars; one submission).

Submission:

Labcorp Genetics (formerly Invitae), Labcorp
Classification: Uncertain significance. Last evaluated: 2024-02-17. Review status: criteria provided, single submitter. Criteria: Invitae Variant Classification Sherloc (09022015). Collection method: clinical testing. Allele origin: germline.
Comment: This sequence change replaces leucine, which is neutral and non-polar, with proline, which is neutral and non-polar, at codon 674 of the HPS6 protein (p.Leu674Pro). This variant is not present in population databases (gnomAD no frequency). This variant has not been reported in the literature in individuals affected with HPS6-related conditions. ClinVar contains an entry for this variant (Variation ID: 1519838). Advanced modeling of protein sequence and biophysical properties (such as structural, functional, and spatial information, amino acid conservation, physicochemical variation, residue mobility, and thermodynamic stability) performed at Invitae indicates that this missense variant is not expected to disrupt HPS6 protein function with a negative predictive value of 80%. In summary, the available evidence is currently insufficient to determine the role of this variant in disease. Therefore, it has been classified as a Variant of Uncertain Significance.

NM_024747.6(HPS6):c.2021T>C (p.Leu674Pro)

Gene: HPS6 (HPS6 biogenesis of lysosomal organelles complex 2 subunit 3; plus strand). Cytogenetic location: 10q24.32.
Variant type: single nucleotide variant.
Coding change: c.2021T>C on transcript NM_024747.6 (MANE Select); coding-DNA position 2021, T replaced by C.
Protein change: p.Leu674Pro; replaces leucine 674 with proline.
Molecular consequence: missense variant.
Genome position (GRCh38, 1-based): chr10:102,067,495, T>C. VCF-style: chr10-102067495-T-C. GRCh37 (hg19) VCF-style: chr10-103827252-T-C.
Other names: short protein forms L674P.
Identifiers: ClinVar variation 1519838 (VCV001519838.5), dbSNP rs2136335183, ClinGen allele CA377875012.